The following is an entry in ClinVar:

NM_005909.5(MAP1B):c.4195C>T (p.Arg1399Cys)

Gene: MAP1B (microtubule associated protein 1B; plus strand). Cytogenetic location: 5q13.2.
Variant type: single nucleotide variant.
Coding change: c.4195C>T on transcript NM_005909.5 (MANE Select); coding-DNA position 4195, C replaced by T.
Protein change: p.Arg1399Cys; replaces arginine 1399 with cysteine.
Molecular consequence: missense variant.
Genome position (GRCh38, 1-based): chr5:72,197,550, C>T. VCF-style: chr5-72197550-C-T. GRCh37 (hg19) VCF-style: chr5-71493377-C-T.
Other names: c.3817C>T, p.Arg1273Cys (NM_001324255.2); c.4195C>T (NM_005909.4, NM_005909.3); short protein forms R1273C, R1399C.
Identifiers: ClinVar variation 1342461 (VCV001342461.3), dbSNP rs776226079, ClinGen allele CA3299121.
Genomic context (GRCh38, chr5:72,197,550, plus strand): 5'-CCCATGGATGAGCCCGTGCCTGACTCAGAGTCTCCTATTGAAAAAGTTTTGTCTCCTTTA[C>T]GCAGCCCGCCCCTCATTGGATCCGAGTCTGCTTATGAAAGTTTTCTAAGTGCTGATGACA-3'
Protein context (NP_005900.2, residues 1389-1409): SPIEKVLSPL[Arg1399Cys]SPPLIGSESA

ClinVar aggregate classification (germline): Uncertain significance. Review status: criteria provided, multiple submitters, no conflicts (2 of 4 stars). 3 submissions from 3 submitters: Uncertain significance (3). Last evaluated 2026-09-24.

Conditions:
MAP1B-related disorder. Also called: MAP1B-related condition.
Inborn genetic diseases. Identifiers: MedGen C0950123, MeSH D030342.
Periventricular nodular heterotopia 9. Identifiers: MedGen C5394503, MONDO:0030061, OMIM 618918.

Allele frequency attached by ClinVar (database versions not stated): gnomAD exomes below 0.00001; ExAC 0.00001; gnomAD 0.00003 and 0.00004; TOPMed 0.00004.
gnomAD v4.1: 11 of 1,614,014 alleles (0.00068%); highest among the groups gnomAD compares: East Asian, 0.0045%; no homozygotes.

Submissions (3):

PreventionGenetics, part of Exact Sciences
Classification: Uncertain significance for MAP1B-related condition. Last evaluated: 2026-09-24. Review status: criteria provided, single submitter. Criteria: ACMG Guidelines, 2015. Collection method: clinical testing. Allele origin: germline.
Comment: The MAP1B c.4195C>T variant is predicted to result in the amino acid substitution p.Arg1399Cys. To our knowledge, this variant has not been reported in the literature. This variant is reported in 0.0033% of alleles in individuals of South Asian descent in gnomAD. At this time, the clinical significance of this variant is uncertain due to the absence of conclusive functional and genetic evidence.

Ambry Genetics
Classification: Uncertain significance for Inborn genetic diseases. Last evaluated: 2024-07-22. Review status: criteria provided, single submitter. Criteria: Ambry Variant Classification Scheme 2023. Collection method: clinical testing. Allele origin: germline.

New York Genome Center
Classification: Uncertain significance for Periventricular nodular heterotopia 9. Last evaluated: 2021-04-29. Review status: criteria provided, single submitter. Criteria: NYGC Assertion Criteria 2020. Collection method: clinical testing. Allele origin: germline. Observed: 1 heterozygote. Study: CSER-NYCKidSeq.